The following is an entry in ClinVar:

ClinVar aggregate classification (germline): Uncertain significance. Review status: criteria provided, multiple submitters, no conflicts (2 of 4 stars). 2 submissions from 2 submitters: Uncertain significance (2). Last evaluated 2023-02-22.

Conditions:
Ehlers-Danlos syndrome, classic type, 1 (EDSCL1). Also called: EHLERS-DANLOS SYNDROME, GRAVIS TYPE; EHLERS-DANLOS SYNDROME, SEVERE CLASSIC TYPE; Ehlers-Danlos syndrome, type 1; Ehlers-Danlos Syndrome, Classic Type, COL5A1-Related; EDS I. Identifiers: MedGen C0268335, MONDO:0019567, OMIM 130000.
Osteogenesis imperfecta type I (OI1). Also called: OI, TYPE I; OSTEOGENESIS IMPERFECTA TARDA; OSTEOGENESIS IMPERFECTA WITH BLUE SCLERAE; Osteogenesis imperfecta type 1; Lobstein's Disease; Lobstein disease. Identifiers: Orphanet 216796, Orphanet 666, MedGen C0023931, MONDO:0008146, OMIM 166200. Disease mechanism: loss of function.

Submissions (2):

GeneDx
Classification: Uncertain significance. Last evaluated: 2023-02-22. Review status: criteria provided, single submitter. Criteria: GeneDx Variant Classification Process June 2021. Collection method: clinical testing. Allele origin: germline. Affected: yes.
Comment: Has not been previously published as pathogenic or benign to our knowledge; Not observed at significant frequency in large population cohorts (gnomAD); In silico analysis supports that this missense variant does not alter protein structure/function; Occurs in the triple helical domain at the X position in the canonical Gly-X-Y repeat; although this variant may have an effect on normal protein folding and function, missense substitution at the X position is not a common mechanism of disease (HGMD)

Labcorp Genetics (formerly Invitae), Labcorp
Classification: Uncertain significance for Osteogenesis imperfecta type I; Ehlers-Danlos syndrome, classic type, 1. Last evaluated: 2021-12-25. Review status: criteria provided, single submitter. Criteria: Invitae Variant Classification Sherloc (09022015). Collection method: clinical testing. Allele origin: germline.
Comment: This sequence change replaces proline, which is neutral and non-polar, with alanine, which is neutral and non-polar, at codon 500 of the COL1A2 protein (p.Pro500Ala). This variant is not present in population databases (gnomAD no frequency). This variant has not been reported in the literature in individuals affected with COL1A2-related conditions. Advanced modeling of protein sequence and biophysical properties (such as structural, functional, and spatial information, amino acid conservation, physicochemical variation, residue mobility, and thermodynamic stability) performed at Invitae indicates that this missense variant is not expected to disrupt COL1A2 protein function. In summary, the available evidence is currently insufficient to determine the role of this variant in disease. Therefore, it has been classified as a Variant of Uncertain Significance.

NM_000089.4(COL1A2):c.1498C>G (p.Pro500Ala)

Gene: COL1A2 (collagen type I alpha 2 chain; plus strand). Cytogenetic location: 7q21.3.
Variant type: single nucleotide variant.
Coding change: c.1498C>G on transcript NM_000089.4 (MANE Select); coding-DNA position 1498, C replaced by G.
Protein change: p.Pro500Ala; replaces proline 500 with alanine.
Molecular consequence: missense variant.
Genome position (GRCh38, 1-based): chr7:94,412,677, C>G. VCF-style: chr7-94412677-C-G. GRCh37 (hg19) VCF-style: chr7-94041989-C-G.
Other names: c.1498C>G (NM_000089.3); short protein forms P500A.
Identifiers: ClinVar variation 1518555 (VCV001518555.7), dbSNP rs2115904764, ClinGen allele CA368221966.
Genomic context (GRCh38, chr7:94,412,677, plus strand): 5'-ATTGGCCCAGCTGGAGCAAGAGGAGAGCCTGGCAACATTGGATTCCCTGGACCCAAAGGC[C>G]CCACTGTAAGAATCACCACAACTTTCTTACCCTCAGCACTTTCTGTAGCCAAATTTTACC-3'
Protein context (NP_000080.2, residues 490-510): GNIGFPGPKG[Pro500Ala]TGDPGKNGDK